The following is an entry in ClinVar:

NM_005629.4(SLC6A8):c.945_946del (p.Ser316fs)

Gene: SLC6A8 (solute carrier family 6 member 8; plus strand). Cytogenetic location: Xq28.
Variant type: Deletion.
Coding change: c.945_946del on transcript NM_005629.4 (MANE Select); coding-DNA positions 945 to 946, 2 bases deleted (TT; older notation c.945_946delTT).
Protein change: p.Ser316fs; shifts the reading frame from serine 316.
Molecular consequence: frameshift variant.
Genome position (GRCh38, 1-based): chrX:153,693,295-153,693,296, TT deleted; deleting any 2 consecutive bases within chrX:153,693,293-153,693,296 gives the same sequence; the c. name uses the placement nearest the transcript's 3' end. VCF-style (leftmost placement, unchanged base first): chrX-153693292-CTT-C. GRCh37 (hg19) VCF-style: chrX-152958747-CTT-C.
Other names: c.945_946del, p.Ser316fs (NM_001142805.2); c.600_601del, p.Ser201fs (NM_001142806.1); short protein forms S201fs, S316fs.
Identifiers: ClinVar variation 4072231 (VCV004072231.1).
Genomic context (GRCh38, chrX:153,693,292, plus strand): 5'-CTCATGCCTGCGCTCTCCGGCCCTTCTCTAGGTGTGGATAGATGCGGGGACCCAGATTTT[CTT>C]TTCTTACGCCATTGGCCTGGGGGCCCTCACAGCCCTGGGCAGCTACAACCGCTTCAACAA-3'

ClinVar aggregate classification (germline): Pathogenic (1 of 4 stars; one submission).

Conditions:
Creatine transporter deficiency (CCDS1). Also called: Mental retardation , X-linked with seizures, short stature and midface hypoplasia; Mental retardation , X-linked, with creatine transport deficiency; X-linked creatine transporter deficiency; X-linked creatine deficiency syndrome; SLC6A8-Related Creatine Transporter Deficiency; CREATINE TRANSPORTER DEFECT. Identifiers: Orphanet 52503, MedGen C1845862, MONDO:0010305, OMIM 300352.

Submission:

MVZ Medizinische Genetik Mainz
Classification: Pathogenic for Creatine transporter deficiency. Last evaluated: 2025-06-27. Review status: criteria provided, single submitter. Criteria: UK Practice Guidelines For Variant Classification V4 01 2020. Collection method: clinical testing. Allele origin: germline. Inheritance: X-linked dominant inheritance. Affected: yes. Observed: 1 variant allele.
Comment: ACMG Criteria: PVS1,PS1_SUP,PM2_SUP